The following is an entry in ClinVar:

ClinVar aggregate classification (germline): Uncertain significance (1 of 4 stars; one submission).

Allele frequency attached by ClinVar (database versions not stated): gnomAD 0.00001; TOPMed 0.00002.
gnomAD v4.1: 17 of 1,614,038 alleles (0.0011%); highest among the groups gnomAD compares: Admixed American, 0.005%; no homozygotes.

Submission:

Labcorp Genetics (formerly Invitae), Labcorp
Classification: Uncertain significance. Last evaluated: 2025-03-10. Review status: criteria provided, single submitter. Criteria: Invitae Variant Classification Sherloc (09022015). Collection method: clinical testing. Allele origin: germline.
Comment: This sequence change replaces valine, which is neutral and non-polar, with methionine, which is neutral and non-polar, at codon 3965 of the RNF213 protein (p.Val3965Met). This variant is present in population databases (rs761189212, gnomAD 0.006%). This variant has not been reported in the literature in individuals affected with RNF213-related conditions. ClinVar contains an entry for this variant (Variation ID: 2916659). Invitae Evidence Modeling of protein sequence and biophysical properties (such as structural, functional, and spatial information, amino acid conservation, physicochemical variation, residue mobility, and thermodynamic stability) indicates that this missense variant is not expected to disrupt RNF213 protein function with a negative predictive value of 95%. In summary, the available evidence is currently insufficient to determine the role of this variant in disease. Therefore, it has been classified as a Variant of Uncertain Significance.

NM_001256071.3(RNF213):c.11893G>A (p.Val3965Met)

Genes: RNF213 (ring finger protein 213; plus strand), RNF213-AS1 (RNF213 antisense RNA 1; minus strand). Cytogenetic location: 17q25.3.
Variant type: single nucleotide variant.
Coding change: c.11893G>A on transcript NM_001256071.3 (MANE Select); coding-DNA position 11893, G replaced by A.
Protein change: p.Val3965Met; replaces valine 3965 with methionine.
Molecular consequence: missense variant.
Genome position (GRCh38, 1-based): chr17:80,367,769, G>A. VCF-style: chr17-80367769-G-A. GRCh37 (hg19) VCF-style: chr17-78341569-G-A.
Other names: c.12040G>A, p.Val4014Met (NM_001410195.1, NM_020914.5); short protein forms V3965M, V4014M.
Identifiers: ClinVar variation 2916659 (VCV002916659.3), dbSNP rs761189212, ClinGen allele CA8822024.